The following is an entry in ClinVar:

ClinVar aggregate classification (germline): Conflicting classifications of pathogenicity. Review status: criteria provided, conflicting classifications (1 of 4 stars). 3 submissions from 3 submitters: Likely pathogenic (1); Uncertain significance (1). 1 of the submissions does not count toward it. Last evaluated 2022-06-16.

Conditions:
Charcot-Marie-Tooth disease. Also called: Charcot-Marie-Tooth Neuropathy; Charcot-Marie-Tooth Hereditary Neuropathy. Identifiers: Orphanet 166, MedGen C0007959, MONDO:0015626.
Charcot-Marie-Tooth disease type 2. Also called: Charcot-Marie-Tooth type 2. Identifiers: Orphanet 64746, MedGen C0270914, MONDO:0018993.

Submissions (3):

Labcorp Genetics (formerly Invitae), Labcorp
Classification: Uncertain significance for Charcot-Marie-Tooth disease type 2. Last evaluated: 2022-06-16. Review status: criteria provided, single submitter. Criteria: Invitae Variant Classification Sherloc (09022015). Collection method: clinical testing. Allele origin: germline.
Comment: In summary, the available evidence is currently insufficient to determine the role of this variant in disease. Therefore, it has been classified as a Variant of Uncertain Significance. Studies have shown that this variant alters MFN2 gene expression (PMID: 22926664). ClinVar contains an entry for this variant (Variation ID: 637940). This variant has been observed in individual(s) with autosomal dominant MFN2-related conditions (PMID: 22926664). It has also been observed to segregate with disease in related individuals. This variant is not present in population databases (gnomAD no frequency). This variant, c.677_688del, results in the deletion of 4 amino acid(s) of the MFN2 protein (p.Val226_Ser229del), but otherwise preserves the integrity of the reading frame.

GeneDx
Classification: Likely pathogenic. Last evaluated: 2022-06-14. Review status: criteria provided, single submitter. Criteria: GeneDx Variant Classification Process June 2021. Collection method: clinical testing. Allele origin: germline. Affected: yes.
Comment: In-frame deletion of 4 amino acids in a non-repeat region predicted to critically alter the protein; Not observed at significant frequency in large population cohorts (gnomAD); In silico analysis supports a deleterious effect on protein structure/function; This variant is associated with the following publications: (PMID: 24863639, 22926664)

Inherited Neuropathy Consortium
Classification: Uncertain significance for Charcot-Marie-Tooth disease. Review status: no assertion criteria provided. Collection method: literature only. Allele origin: germline. Affected: yes. Not counted in ClinVar's aggregate classification.

Literature cited by the submitters: PubMed 22926664 (cited by Labcorp Genetics (formerly Invitae), Labcorp and Inherited Neuropathy Consortium).

NM_014874.4(MFN2):c.677_688del (p.Val226_Ser229del)

Gene: MFN2 (mitofusin 2; plus strand). Cytogenetic location: 1p36.22.
Variant type: Deletion.
Coding change: c.677_688del on transcript NM_014874.4 (MANE Select); coding-DNA positions 677 to 688, 12 bases deleted (TGGCCAACTCAG).
Protein change: p.Val226_Ser229del.
Molecular consequence: inframe deletion.
Genome position (GRCh38, 1-based): chr1:11,998,847-11,998,858, TGGCCAACTCAG deleted; deleting any 12 consecutive bases within chr1:11,998,846-11,998,858 gives the same sequence; the c. name uses the placement nearest the transcript's 3' end. VCF-style (leftmost placement, unchanged base first): chr1-11998845-GGTGGCCAACTCA-G. GRCh37 (hg19) VCF-style: chr1-12058902-GGTGGCCAACTCA-G.
Other names: c.677_688del12 (NM_014874.3); c.677_688del, p.Val226_Ser229del (NM_001127660.2).
Identifiers: ClinVar variation 637940 (VCV000637940.6), dbSNP rs1569842627, ClinGen allele CA915941131.